The following is an entry in ClinVar:

NM_001286577.2(C2CD3):c.3671A>G (p.Gln1224Arg)

Gene: C2CD3 (C2 domain containing 3 centriole elongation regulator; minus strand). Cytogenetic location: 11q13.4.
Variant type: single nucleotide variant.
Coding change: c.3671A>G on transcript NM_001286577.2 (MANE Select); coding-DNA position 3671, A replaced by G.
Protein change: p.Gln1224Arg; replaces glutamine 1224 with arginine.
Molecular consequence: missense variant.
Genome position (GRCh38, 1-based): chr11:74,085,857, T>C on the plus strand (A>G on the coding strand, the complement: C2CD3 is on the minus strand). VCF-style: chr11-74085857-T-C. GRCh37 (hg19) VCF-style: chr11-73796902-T-C.
Other names: p.Gln1224Arg; c.3671A>G, p.Gln1224Arg (NM_015531.6); c.3671A>G (NM_001286577.1, NM_015531.4); short protein forms Q1224R.
Identifiers: ClinVar variation 444264 (VCV000444264.54), dbSNP rs78878933, ClinGen allele CA6182312.

ClinVar aggregate classification (germline): Benign/Likely benign. Review status: criteria provided, multiple submitters, no conflicts (2 of 4 stars). 4 submissions from 4 submitters: Benign (2); Likely benign (2). Last evaluated 2026-07-01.

Conditions:
Inborn genetic diseases. Identifiers: MedGen C0950123, MeSH D030342.

Allele frequency attached by ClinVar (database versions not stated): 1000 Genomes Project 0.00339; 1000 Genomes Project 30x 0.00344; TOPMed 0.00536; gnomAD 0.00557 and 0.00558; ESP Exome Variant Server 0.00701.
gnomAD v4.1: 11,378 of 1,613,692 alleles (0.71%); highest among the groups gnomAD compares: Non-Finnish European, 0.83%; 46 homozygotes.

Submissions (4):

CeGaT Center for Human Genetics Tuebingen
Classification: Likely benign. Last evaluated: 2026-07-01. Review status: criteria provided, single submitter. Criteria: CeGaT Center For Human Genetics Tuebingen Variant Classification Criteria Version 2. Collection method: clinical testing. Allele origin: germline. Affected: yes. Observed: 5 variant alleles.
Comment: C2CD3: BP4, BS2

Labcorp Genetics (formerly Invitae), Labcorp
Classification: Benign. Last evaluated: 2026-02-01. Review status: criteria provided, single submitter. Criteria: Invitae Variant Classification Sherloc (09022015). Collection method: clinical testing. Allele origin: germline.

Mayo Clinic Laboratories, Mayo Clinic
Classification: Benign. Last evaluated: 2025-09-12. Review status: criteria provided, single submitter. Criteria: ACMG Guidelines, 2015. Collection method: clinical testing. Allele origin: germline. Observed: 1 variant allele.
Comment: BS1, BS2, BP4_moderate

Ambry Genetics
Classification: Likely benign for Inborn genetic diseases. Last evaluated: 2021-08-16. Review status: criteria provided, single submitter. Criteria: Ambry Variant Classification Scheme 2023. Collection method: clinical testing. Allele origin: germline.